The following is an entry in ClinVar:

ClinVar aggregate classification (germline): Pathogenic (1 of 4 stars; one submission).

Conditions:
Baller-Gerold syndrome (BGS). Also called: CRANIOSYNOSTOSIS WITH RADIAL DEFECTS. Identifiers: Orphanet 1225, MedGen C0265308, MONDO:0009039, OMIM 218600.

Allele frequency attached by ClinVar (database versions not stated): gnomAD exomes below 0.00001.

Submission:

Labcorp Genetics (formerly Invitae), Labcorp
Classification: Pathogenic for Baller-Gerold syndrome. Last evaluated: 2024-05-22. Review status: criteria provided, single submitter. Criteria: Invitae Variant Classification Sherloc (09022015). Collection method: clinical testing. Allele origin: germline.
Comment: This sequence change creates a premature translational stop signal (p.Trp269Glyfs*24) in the RECQL4 gene. It is expected to result in an absent or disrupted protein product. Loss-of-function variants in RECQL4 are known to be pathogenic (PMID: 12734318, 12952869). This variant is present in population databases (no rsID available, gnomAD 0.0009%). This variant has not been reported in the literature in individuals affected with RECQL4-related conditions. ClinVar contains an entry for this variant (Variation ID: 406956). For these reasons, this variant has been classified as Pathogenic.

Literature cited by the submitters: PubMed 12734318; PubMed 12952869.

NM_004260.4(RECQL4):c.805del (p.Trp269fs)

Gene: RECQL4 (RecQ like helicase 4; minus strand). Cytogenetic location: 8q24.3.
Variant type: Deletion.
Coding change: c.805del on transcript NM_004260.4 (MANE Select); coding-DNA position 805, one base deleted (T; older notation c.805delT).
Protein change: p.Trp269fs; shifts the reading frame from tryptophan 269.
Molecular consequence: frameshift variant.
Genome position (GRCh38, 1-based): chr8:144,516,314, A deleted on the plus strand (T on the coding strand, the reverse complement: RECQL4 is on the minus strand). VCF-style (leftmost placement, unchanged base first): chr8-144516313-CA-C. GRCh37 (hg19) VCF-style: chr8-145741697-CA-C.
Other names: c.805delT (NM_004260.3); short protein forms W269fs.
Identifiers: ClinVar variation 406956 (VCV000406956.5), dbSNP rs1060501370, ClinGen allele CA16612545.